The following is an entry in ClinVar:

ClinVar aggregate classification (germline): Uncertain significance (1 of 4 stars; one submission).

Allele frequency attached by ClinVar (database versions not stated): ExAC 0.00002; gnomAD exomes 0.00002 and 0.00003; TOPMed 0.00002; gnomAD 0.00003 and 0.00004.
gnomAD v4.1: 37 of 1,612,376 alleles (0.0023%); highest among the groups gnomAD compares: East Asian, 0.042%; no homozygotes.

Submission:

Labcorp Genetics (formerly Invitae), Labcorp
Classification: Uncertain significance. Last evaluated: 2022-08-16. Review status: criteria provided, single submitter. Criteria: Invitae Variant Classification Sherloc (09022015). Collection method: clinical testing. Allele origin: germline.
Comment: This sequence change falls in intron 8 of the GRM6 gene. It does not directly change the encoded amino acid sequence of the GRM6 protein. It affects a nucleotide within the consensus splice site. This variant is present in population databases (rs745743742, gnomAD 0.03%). This variant has not been reported in the literature in individuals affected with GRM6-related conditions. ClinVar contains an entry for this variant (Variation ID: 1026998). Variants that disrupt the consensus splice site are a relatively common cause of aberrant splicing (PMID: 17576681, 9536098). Algorithms developed to predict the effect of sequence changes on RNA splicing suggest that this variant may disrupt the consensus splice site. In summary, the available evidence is currently insufficient to determine the role of this variant in disease. Therefore, it has been classified as a Variant of Uncertain Significance.

Literature cited by the submitters: PubMed 17576681; PubMed 9536098.

NM_000843.4(GRM6):c.2124+5G>A

Genes: GRM6 (glutamate metabotropic receptor 6; minus strand), ZNF454 (zinc finger protein 454; plus strand). Cytogenetic location: 5q35.3.
Variant type: single nucleotide variant.
Coding change: c.2124+5G>A on transcript NM_000843.4 (MANE Select); 5 bases into the intron after coding-DNA position 2124, G replaced by A.
Molecular consequence: intron variant.
Genome position (GRCh38, 1-based): chr5:178,986,125, C>T on the plus strand (G>A on the coding strand, the complement: GRM6 is on the minus strand). VCF-style: chr5-178986125-C-T. GRCh37 (hg19) VCF-style: chr5-178413126-C-T.
Identifiers: ClinVar variation 1026998 (VCV001026998.4), dbSNP rs745743742, ClinGen allele CA3593820.